The following is an entry in ClinVar:

NM_000512.5(GALNS):c.1242+1G>A

Gene: GALNS (galactosamine (N-acetyl)-6-sulfatase; minus strand). Cytogenetic location: 16q24.3.
Variant type: single nucleotide variant.
Coding change: c.1242+1G>A on transcript NM_000512.5 (MANE Select); the canonical splice donor site of the intron after coding-DNA position 1242, G replaced by A.
Molecular consequence: splice donor variant.
Genome position (GRCh38, 1-based): chr16:88,824,766, C>T on the plus strand (G>A on the coding strand, the complement: GALNS is on the minus strand). VCF-style: chr16-88824766-C-T. GRCh37 (hg19) VCF-style: chr16-88891174-C-T.
Other names: c.1260+1G>A (NM_001323544.2); c.687+1G>A (NM_001323543.2).
Identifiers: ClinVar variation 4886993 (VCV004886993.1).

ClinVar aggregate classification (germline): Pathogenic (1 of 4 stars; one submission).

Conditions:
Mucopolysaccharidosis, MPS-IV-A (MPS4A). Also called: MORQUIO SYNDROME A; GALACTOSAMINE-6-SULFATASE DEFICIENCY; GALNS DEFICIENCY; MORQUIO A DISEASE; MPS IVA; Mucopolysaccharidosis type IV A. Identifiers: Orphanet 309297, Orphanet 582, MedGen C0086651, MONDO:0009659, OMIM 253000.

Submission:

Department of Genetics and Endocrinology, Guangzhou Women and Children’s Medical Center
Classification: Pathogenic for Mucopolysaccharidosis, MPS-IV-A. Last evaluated: 2026-08-20. Review status: criteria provided, single submitter. Criteria: ACMG Guidelines, 2015. Collection method: clinical testing. Allele origin: germline. Affected: yes.
Comment: PVS1: splicing variant at canonical donor site (+1G>A) of intron 10, predicted to disrupt normal splicing; PM2: absent from population databases (gnomAD); PP4: patient phenotype is highly specific for MPS IVA.